The following is an entry in ClinVar:

NM_000053.4(ATP7B):c.1852A>G (p.Ile618Val)

Gene: ATP7B (ATPase copper transporting beta; minus strand). Cytogenetic location: 13q14.3.
Variant type: single nucleotide variant.
Coding change: c.1852A>G on transcript NM_000053.4 (MANE Select); coding-DNA position 1852, A replaced by G.
Protein change: p.Ile618Val; replaces isoleucine 618 with valine.
Molecular consequence: missense variant. On other transcripts: intron variant (3).
Genome position (GRCh38, 1-based): chr13:51,964,889, T>C on the plus strand (A>G on the coding strand, the complement: ATP7B is on the minus strand). VCF-style: chr13-51964889-T-C. GRCh37 (hg19) VCF-style: chr13-52539025-T-C.
Other names: c.1852A>G, p.Ile618Val (NM_001005918.3, NM_001330578.2, NM_001330579.2 and 24 more transcripts); c.1519A>G, p.Ile507Val (NM_001243182.2); c.1819A>G, p.Ile607Val (NM_001406514.1, NM_001406524.1); c.1756A>G, p.Ile586Val (NM_001406517.1, NM_001406518.1, NM_001406530.1 and 3 more transcripts); c.1285+9046A>G (NM_001406548.1); c.1707+3555A>G (NM_001406547.1, NM_001406545.1); c.1423A>G, p.Ile475Val (NM_001406539.1); short protein forms I475V, I507V, I586V, I607V, I618V.
Identifiers: ClinVar variation 3069595 (VCV003069595.1), dbSNP rs1951464803, ClinGen allele CA388030008.

ClinVar aggregate classification (germline): Uncertain significance (1 of 4 stars; one submission).

Conditions:
Wilson disease (WND). Also called: Wilson's disease. Identifiers: Orphanet 905, MedGen C0019202, MONDO:0010200, OMIM 277900. Disease mechanism: loss of function.

Allele frequency attached by ClinVar (database versions not stated): gnomAD exomes below 0.00001.
gnomAD v4.1: 3 of 1,614,214 alleles (0.00019%); highest among the groups gnomAD compares: Non-Finnish European, 0.00025%; no homozygotes.

Submission:

All of Us Research Program, National Institutes of Health
Classification: Uncertain significance for Wilson disease. Last evaluated: 2023-02-24. Review status: criteria provided, single submitter. Criteria: ACMG Guidelines, 2015. Collection method: clinical testing. Allele origin: germline. Inheritance: Autosomal recessive inheritance. Observed: 1 variant allele, 1 heterozygote.
Comment: This missense variant replaces isoleucine with valine at codon 618 of the ATP7B protein. Computational prediction is inconclusive regarding the impact of this variant on protein structure and function (internally defined REVEL score threshold 0.5 < inconclusive < 0.7, PMID: 27666373). To our knowledge, functional studies have not been reported for this variant. This variant has not been reported in individuals affected with ATP7B-related disorders in the literature. This variant has not been identified in the general population by the Genome Aggregation Database (gnomAD). The available evidence is insufficient to determine the role of this variant in disease conclusively. Therefore, this variant is classified as a Variant of Uncertain Significance.

This study involves interpretation of variants in research participants for the purpose of population health screening. Participant phenotype was not available at the time of variant classification. Additional details can be found in publication PMID: 35346344, PMCID: PMC8962531